The following is an entry in ClinVar:

NM_004612.4(TGFBR1):c.893C>A (p.Thr298Asn)

Gene: TGFBR1 (transforming growth factor beta receptor 1; plus strand). Cytogenetic location: 9q22.33.
Variant type: single nucleotide variant.
Coding change: c.893C>A on transcript NM_004612.4 (MANE Select); coding-DNA position 893, C replaced by A.
Protein change: p.Thr298Asn; replaces threonine 298 with asparagine.
Molecular consequence: missense variant. On other transcripts: non-coding transcript variant (4), intron variant (2).
Genome position (GRCh38, 1-based): chr9:99,142,623, C>A. VCF-style: chr9-99142623-C-A. GRCh37 (hg19) VCF-style: chr9-101904905-C-A.
Other names: c.662C>A, p.Thr221Asn (NM_001130916.3, NM_001407435.1); c.905C>A, p.Thr302Asn (NM_001306210.2); c.698C>A, p.Thr233Asn (NM_001407418.1, NM_001407419.1, NM_001407420.1 and 1 more transcripts); c.686C>A, p.Thr229Asn (NM_001407423.1, NM_001407424.1, NM_001407425.1 and 8 more transcripts); c.647C>A, p.Thr216Asn (NM_001407436.1); c.185C>A, p.Thr62Asn (NM_001407437.1); c.416C>A, p.Thr139Asn (NM_001407438.1); c.818-2109C>A (NM_001407416.1); and 1 more; short protein forms T139N, T216N, T221N, T229N, T233N, T298N, T302N, T62N.
Identifiers: ClinVar variation 3361819 (VCV003361819.3).

ClinVar aggregate classification (germline): Uncertain significance. Review status: criteria provided, multiple submitters, no conflicts (2 of 4 stars). 2 submissions from 2 submitters: Uncertain significance (2). Last evaluated 2024-08-19.

Conditions:
Familial thoracic aortic aneurysm and aortic dissection (TAAD). Also called: Thoracic aortic aneurysms and dissections. Identifiers: Orphanet 91387, MedGen C4707243, MONDO:0019625.

Submissions (2):

Labcorp Genetics (formerly Invitae), Labcorp
Classification: Uncertain significance for Familial thoracic aortic aneurysm and aortic dissection. Last evaluated: 2024-08-19. Review status: criteria provided, single submitter. Criteria: Invitae Variant Classification Sherloc (09022015). Collection method: clinical testing. Allele origin: germline.
Comment: This sequence change replaces threonine, which is neutral and polar, with asparagine, which is neutral and polar, at codon 298 of the TGFBR1 protein (p.Thr298Asn). This variant is not present in population databases (gnomAD no frequency). This variant has not been reported in the literature in individuals affected with TGFBR1-related conditions. Invitae Evidence Modeling of protein sequence and biophysical properties (such as structural, functional, and spatial information, amino acid conservation, physicochemical variation, residue mobility, and thermodynamic stability) indicates that this missense variant is not expected to disrupt TGFBR1 protein function with a negative predictive value of 80%. In summary, the available evidence is currently insufficient to determine the role of this variant in disease. Therefore, it has been classified as a Variant of Uncertain Significance.

GeneDx
Classification: Uncertain significance. Last evaluated: 2023-07-27. Review status: criteria provided, single submitter. Criteria: GeneDx Variant Classification Process June 2021. Collection method: clinical testing. Allele origin: germline. Affected: yes.
Comment: Not observed at significant frequency in large population cohorts (gnomAD); In silico analysis supports that this missense variant does not alter protein structure/function; Has not been previously published as pathogenic or benign to our knowledge